The following is an entry in ClinVar:

NM_080627.4(MTCL2):c.3286G>T (p.Glu1096Ter)

Gene: MTCL2 (microtubule crosslinking factor 2; minus strand). Cytogenetic location: 20q11.23.
Variant type: single nucleotide variant.
Coding change: c.3286G>T on transcript NM_080627.4 (MANE Select); coding-DNA position 3286, G replaced by T.
Protein change: p.Glu1096Ter; replaces glutamic acid 1096 with a stop codon.
Molecular consequence: nonsense.
Genome position (GRCh38, 1-based): chr20:36,802,909, C>A on the plus strand (G>T on the coding strand, the complement: MTCL2 is on the minus strand). VCF-style: chr20-36802909-C-A. GRCh37 (hg19) VCF-style: chr20-35431312-C-A.
Other names: c.2572G>T, p.Glu858Ter (NM_199181.3); short protein forms E1096*, E858*.
Identifiers: ClinVar variation 930802 (VCV000930802.4), dbSNP rs373033244, ClinGen allele CA408820248.

ClinVar aggregate classification (germline): Uncertain significance (1 of 4 stars; one submission).

Submission:

Centre for Mendelian Genomics, University Medical Centre Ljubljana
Classification: Uncertain significance. Last evaluated: 2020-01-07. Review status: criteria provided, single submitter. Criteria: ACMG Guidelines, 2015. Collection method: clinical testing. Allele origin: unknown. Affected: yes.
Comment: This variant was classified as: Uncertain significance. The available evidence on this variant's pathogenicity is insufficient or conflicting. The following ACMG criteria were applied in classifying this variant: PM2,PP3.